The following is an entry in ClinVar:

ClinVar aggregate classification (germline): Uncertain significance (1 of 4 stars; one submission).

Allele frequency attached by ClinVar (database versions not stated): gnomAD 0.00001; gnomAD exomes 0.00001; TOPMed 0.00001; ExAC 0.00002.
gnomAD v4.1: 17 of 1,579,900 alleles (0.0011%); highest among the groups gnomAD compares: East Asian, 0.0045%; no homozygotes.

Submission:

Labcorp Genetics (formerly Invitae), Labcorp
Classification: Uncertain significance. Last evaluated: 2022-12-25. Review status: criteria provided, single submitter. Criteria: Invitae Variant Classification Sherloc (09022015). Collection method: clinical testing. Allele origin: germline.
Comment: This sequence change replaces asparagine, which is neutral and polar, with serine, which is neutral and polar, at codon 860 of the ARHGEF1 protein (p.Asn860Ser). This variant is present in population databases (rs782293753, gnomAD 0.01%). This variant has not been reported in the literature in individuals affected with ARHGEF1-related conditions. Algorithms developed to predict the effect of missense changes on protein structure and function output the following: SIFT: "Tolerated"; PolyPhen-2: "Benign"; Align-GVGD: "Class C0". The serine amino acid residue is found in multiple mammalian species, which suggests that this missense change does not adversely affect protein function. In summary, the available evidence is currently insufficient to determine the role of this variant in disease. Therefore, it has been classified as a Variant of Uncertain Significance.

NM_004706.4(ARHGEF1):c.2534A>G (p.Asn845Ser)

Gene: ARHGEF1 (Rho guanine nucleotide exchange factor 1; plus strand). Cytogenetic location: 19q13.2.
Variant type: single nucleotide variant.
Coding change: c.2534A>G on transcript NM_004706.4 (MANE Select); coding-DNA position 2534, A replaced by G.
Protein change: p.Asn845Ser; replaces asparagine 845 with serine.
Molecular consequence: missense variant. On other transcripts: non-coding transcript variant (2), intron variant (4).
Genome position (GRCh38, 1-based): chr19:41,906,499, A>G. VCF-style: chr19-41906499-A-G. GRCh37 (hg19) VCF-style: chr19-42410651-A-G.
Other names: c.2702A>G, p.Asn901Ser (NM_001396000.1); c.2435A>G, p.Asn812Ser (NM_198977.2); c.2579A>G, p.Asn860Ser (NM_199002.2); c.2492-204A>G (NM_001396003.1, NM_001396006.1); c.2393-204A>G (NM_001396002.1, NM_001396004.1); short protein forms N901S, N845S, N860S, N812S.
Identifiers: ClinVar variation 3009736 (VCV003009736.3), dbSNP rs782293753, ClinGen allele CA9466778.